The following is an entry in ClinVar:

NM_000226.4(KRT9):c.1290C>T (p.Ile430=)

Gene: KRT9 (keratin 9; minus strand). Cytogenetic location: 17q21.2.
Variant type: single nucleotide variant.
Coding change: c.1290C>T on transcript NM_000226.4 (MANE Select); coding-DNA position 1290, C replaced by T.
Protein change: p.Ile430=; no amino-acid change (isoleucine 430 retained).
Molecular consequence: synonymous variant.
Genome position (GRCh38, 1-based): chr17:41,568,266, G>A on the plus strand (C>T on the coding strand, the complement: KRT9 is on the minus strand). VCF-style: chr17-41568266-G-A. GRCh37 (hg19) VCF-style: chr17-39724518-G-A.
Identifiers: ClinVar variation 891512 (VCV000891512.26), dbSNP rs145501803, ClinGen allele CA8561980.

ClinVar aggregate classification (germline): Conflicting classifications of pathogenicity. Review status: criteria provided, conflicting classifications (1 of 4 stars). 5 submissions from 5 submitters: Uncertain significance (1); Likely benign (3). 1 of the submissions does not count toward it. Last evaluated 2025-07-13.

Conditions:
KRT9-related disorder. Also called: KRT9-related condition.
Palmoplantar keratoderma, epidermolytic. Also called: Localized epidermolytic hyperkeratosis. Identifiers: MedGen C1721006, MONDO:0968949, HP:0007559.

Allele frequency attached by ClinVar (database versions not stated): gnomAD 0.00090 and 0.00093; TOPMed 0.00095; ESP Exome Variant Server 0.00200.

Submissions (5):

Labcorp Genetics (formerly Invitae), Labcorp
Classification: Likely benign. Last evaluated: 2025-07-13. Review status: criteria provided, single submitter. Criteria: Invitae Variant Classification Sherloc (09022015). Collection method: clinical testing. Allele origin: germline.

Blueprint Genetics
Classification: Likely benign. Last evaluated: 2024-11-06. Review status: criteria provided, single submitter. Criteria: ACMG Guidelines, 2015. Collection method: clinical testing. Allele origin: germline.

CeGaT Center for Human Genetics Tuebingen
Classification: Likely benign. Last evaluated: 2024-11-01. Review status: criteria provided, single submitter. Criteria: CeGaT Center For Human Genetics Tuebingen Variant Classification Criteria Version 2. Collection method: clinical testing. Allele origin: germline. Affected: yes. Observed: 1 variant allele.
Comment: KRT9: BP4, BP7

Illumina Laboratory Services, Illumina
Classification: Uncertain significance for Epidermolytic palmoplantar keratoderma, 1. Last evaluated: 2018-01-13. Review status: criteria provided, single submitter. Criteria: ICSL Variant Classification Criteria 13 December 2019. Collection method: clinical testing. Allele origin: germline.

PreventionGenetics, part of Exact Sciences
Classification: Likely benign for KRT9-related condition. Last evaluated: 2024-01-19. Review status: no assertion criteria provided. Collection method: clinical testing. Allele origin: germline. Not counted in ClinVar's aggregate classification.
Comment: This variant is classified as likely benign based on ACMG/AMP sequence variant interpretation guidelines (Richards et al. 2015 PMID: 25741868, with internal and published modifications).